The following is an entry in ClinVar:

NM_001134407.3(GRIN2A):c.678C>T (p.Val226=)

Gene: GRIN2A (glutamate ionotropic receptor NMDA type subunit 2A; minus strand). Cytogenetic location: 16p13.2.
Variant type: single nucleotide variant.
Coding change: c.678C>T on transcript NM_001134407.3 (MANE Select); coding-DNA position 678, C replaced by T.
Protein change: p.Val226=; no amino-acid change (valine 226 retained).
Molecular consequence: synonymous variant.
Genome position (GRCh38, 1-based): chr16:9,938,288, G>A on the plus strand (C>T on the coding strand, the complement: GRIN2A is on the minus strand). VCF-style: chr16-9938288-G-A. GRCh37 (hg19) VCF-style: chr16-10032145-G-A.
Other names: c.678C>T, p.Val226= (NM_000833.5, NM_001134408.2); c.678C>T (NM_000833.4).
Identifiers: ClinVar variation 594200 (VCV000594200.7), dbSNP rs1567187672, ClinGen allele CA493702257.

ClinVar aggregate classification (germline): Uncertain significance. Review status: criteria provided, single submitter (1 of 4 stars). 2 submissions from 2 submitters: Uncertain significance (1). 1 of the submissions does not count toward it. Last evaluated 2017-10-16.

Conditions:
GRIN2A-related complex neurodevelopmental disorder. Also called: GRIN2A-related condition; GRIN2A-related disorder. Identifiers: MedGen CN379781, MONDO:1060139.

Allele frequency attached by ClinVar (database versions not stated): gnomAD exomes below 0.00001; TOPMed below 0.00001; gnomAD 0.00001.
gnomAD v4.1: 5 of 1,613,768 alleles (0.00031%); highest among the groups gnomAD compares: Admixed American, 0.0017%; no homozygotes.

Submissions (2):

Eurofins Ntd Llc (ga)
Classification: Uncertain significance. Last evaluated: 2017-10-16. Review status: criteria provided, single submitter. Criteria: EGL Classification Definitions 2015. Collection method: clinical testing. Allele origin: germline. Observed: 1 variant allele, 1 heterozygote.

PreventionGenetics, part of Exact Sciences
Classification: Likely benign for GRIN2A-related condition. Last evaluated: 2019-06-13. Review status: no assertion criteria provided. Collection method: clinical testing. Allele origin: germline. Not counted in ClinVar's aggregate classification.
Comment: This variant is classified as likely benign based on ACMG/AMP sequence variant interpretation guidelines (Richards et al. 2015 PMID: 25741868, with internal and published modifications).